The following is an entry in ClinVar:

ClinVar aggregate classification (germline): Likely benign. Review status: criteria provided, multiple submitters, no conflicts (2 of 4 stars). 4 submissions from 3 submitters: Likely benign (4). Last evaluated 2024-05-06.

Conditions:
Autosomal dominant nocturnal frontal lobe epilepsy 5. Also called: KCNT1-Related Epilepsy; CILIARY DYSKINESIA, PRIMARY, 28, WITHOUT SITUS INVERSUS; CILIARY DYSKINESIA, PRIMARY, 28, WITH SITUS INVERSUS; Epilepsy, nocturnal frontal lobe, 5. Identifiers: Orphanet 98784, MedGen C3554306, MONDO:0014002, OMIM 615005.
Developmental and epileptic encephalopathy, 14 (DEE14). Also called: Early infantile epileptic encephalopathy 14. Identifiers: Orphanet 293181, MedGen C3554195, MONDO:0013989, OMIM 614959.

Allele frequency attached by ClinVar (database versions not stated): gnomAD 0.00001 and 0.00002; ExAC 0.00004; gnomAD exomes 0.00004; TOPMed 0.00005; 1000 Genomes Project 30x 0.00016; 1000 Genomes Project 0.00020.
gnomAD v4.1: 34 of 1,604,482 alleles (0.0021%); highest among the groups gnomAD compares: Admixed American, 0.0067%; no homozygotes.

Submissions (4):

Labcorp Genetics (formerly Invitae), Labcorp
Classification: Likely benign for Autosomal dominant nocturnal frontal lobe epilepsy 5; Developmental and epileptic encephalopathy, 14. Last evaluated: 2024-05-06. Review status: criteria provided, single submitter. Criteria: Invitae Variant Classification Sherloc (09022015). Collection method: clinical testing. Allele origin: germline.

CeGaT Center for Human Genetics Tuebingen
Classification: Likely benign. Last evaluated: 2023-09-01. Review status: criteria provided, single submitter. Criteria: CeGaT Center For Human Genetics Tuebingen Variant Classification Criteria Version 2. Collection method: clinical testing. Allele origin: germline. Affected: yes. Observed: 2 variant alleles.
Comment: KCNT1: BP4, BP7

Genome-Nilou Lab
Classification: Likely benign for Developmental and epileptic encephalopathy, 14. Last evaluated: 2022-03-15. Review status: criteria provided, single submitter. Criteria: ACMG Guidelines, 2015. Collection method: clinical testing. Allele origin: germline. Affected: no.

Genome-Nilou Lab
Classification: Likely benign for Autosomal dominant nocturnal frontal lobe epilepsy 5. Last evaluated: 2022-03-15. Review status: criteria provided, single submitter. Criteria: ACMG Guidelines, 2015. Collection method: clinical testing. Allele origin: germline. Affected: no.

NM_020822.3(KCNT1):c.3618C>T (p.His1206=)

Gene: KCNT1 (potassium sodium-activated channel subfamily T member 1; plus strand). Cytogenetic location: 9q34.3.
Variant type: single nucleotide variant.
Coding change: c.3618C>T on transcript NM_020822.3 (MANE Select); coding-DNA position 3618, C replaced by T.
Protein change: p.His1206=; no amino-acid change (histidine 1206 retained).
Molecular consequence: synonymous variant.
Genome position (GRCh38, 1-based): chr9:135,792,071, C>T. VCF-style: chr9-135792071-C-T. GRCh37 (hg19) VCF-style: chr9-138683917-C-T.
Other names: c.3546C>T, p.His1182= (NM_001272003.2).
Identifiers: ClinVar variation 473394 (VCV000473394.49), dbSNP rs577378740, ClinGen allele CA5328004.
Genomic context (GRCh38, chr9:135,792,071, plus strand): 5'-CACTCCAGGGTCCTCTGTGCCCTCCCGCAGCTATCTCATCCGCTCCGACCCCCTGGCTCA[C>T]GTGGCCAGCAGCTCCCAGAGCCGGAAGAGCAGCTGCAGCCACAAGCTGTCGTCCTGCAAC-3'
Protein context (NP_065873.2, residues 1196-1216): VYLIRSDPLA[His1206=]VASSSQSRKS